The following is an entry in ClinVar:

NM_000083.3(CLCN1):c.642del (p.Lys215fs)

Gene: CLCN1 (chloride voltage-gated channel 1; plus strand). Cytogenetic location: 7q34.
Variant type: Deletion.
Coding change: c.642del on transcript NM_000083.3 (MANE Select); coding-DNA position 642, one base deleted (C; older notation c.642delC).
Protein change: p.Lys215fs; shifts the reading frame from lysine 215.
Molecular consequence: frameshift variant. On other transcripts: non-coding transcript variant (1).
Genome position (GRCh38, 1-based): chr7:143,321,794, C deleted; the last of 2 consecutive C bases (chr7:143,321,793-143,321,794); deleting either gives the same sequence. VCF-style (leftmost placement, unchanged base first): chr7-143321792-GC-G. GRCh37 (hg19) VCF-style: chr7-143018885-GC-G.
Other names: short protein forms K215fs.
Identifiers: ClinVar variation 2939187 (VCV002939187.3), dbSNP rs2487034068, ClinGen allele CA2740094896.

ClinVar aggregate classification (germline): Pathogenic (1 of 4 stars; one submission).

Conditions:
Congenital myotonia, autosomal dominant form (THD). Also called: THOMSEN DISEASE; Myotonia congenita autosomal dominant. Identifiers: Orphanet 614, MedGen C2936781, MONDO:0008055, OMIM 160800.
Congenital myotonia, autosomal recessive form. Also called: BECKER DISEASE; Becker Generalized Myotonia; myotonia congenita, autosomal recessive. Identifiers: Orphanet 614, MedGen C0751360, MONDO:0009715, OMIM 255700.

Submission:

Labcorp Genetics (formerly Invitae), Labcorp
Classification: Pathogenic for Congenital myotonia, autosomal recessive form; Congenital myotonia, autosomal dominant form. Last evaluated: 2023-07-10. Review status: criteria provided, single submitter. Criteria: Invitae Variant Classification Sherloc (09022015). Collection method: clinical testing. Allele origin: germline.
Comment: For these reasons, this variant has been classified as Pathogenic. This variant has not been reported in the literature in individuals affected with CLCN1-related conditions. This variant is not present in population databases (gnomAD no frequency). This sequence change creates a premature translational stop signal (p.Lys215Argfs*5) in the CLCN1 gene. It is expected to result in an absent or disrupted protein product. Loss-of-function variants in CLCN1 are known to be pathogenic (PMID: 17932099, 22094069, 23739125).

Literature cited by the submitters: PubMed 17932099; PubMed 22094069; PubMed 23739125.